The following is an entry in ClinVar:

ClinVar aggregate classification (germline): Uncertain significance (1 of 4 stars; one submission).

Submission:

Labcorp Genetics (formerly Invitae), Labcorp
Classification: Uncertain significance. Last evaluated: 2022-11-28. Review status: criteria provided, single submitter. Criteria: Invitae Variant Classification Sherloc (09022015). Collection method: clinical testing. Allele origin: germline.
Comment: In summary, the available evidence is currently insufficient to determine the role of this variant in disease. Therefore, it has been classified as a Variant of Uncertain Significance. Advanced modeling of protein sequence and biophysical properties (such as structural, functional, and spatial information, amino acid conservation, physicochemical variation, residue mobility, and thermodynamic stability) performed at Invitae indicates that this missense variant is expected to disrupt HK1 protein function. This variant has not been reported in the literature in individuals affected with HK1-related conditions. This variant is not present in population databases (gnomAD no frequency). This sequence change replaces phenylalanine, which is neutral and non-polar, with tyrosine, which is neutral and polar, at codon 152 of the HK1 protein (p.Phe152Tyr).

NM_000188.3(HK1):c.455T>A (p.Phe152Tyr)

Gene: HK1 (hexokinase 1; plus strand). Cytogenetic location: 10q22.1.
Variant type: single nucleotide variant.
Coding change: c.455T>A on transcript NM_000188.3 (MANE Select); coding-DNA position 455, T replaced by A.
Protein change: p.Phe152Tyr; replaces phenylalanine 152 with tyrosine.
Molecular consequence: missense variant.
Genome position (GRCh38, 1-based): chr10:69,364,862, T>A. VCF-style: chr10-69364862-T-A. GRCh37 (hg19) VCF-style: chr10-71124618-T-A.
Other names: c.467T>A, p.Phe156Tyr (NM_001322364.2, NM_001358263.1, NM_033497.3 and 1 more transcripts); c.560T>A, p.Phe187Tyr (NM_001322365.2); c.371T>A, p.Phe124Tyr (NM_001322366.1); c.455T>A, p.Phe152Tyr (NM_001322367.1); c.452T>A, p.Phe151Tyr (NM_033496.3); c.419T>A, p.Phe140Tyr (NM_033500.2); short protein forms F140Y, F152Y, F124Y, F151Y, F187Y, F156Y.
Identifiers: ClinVar variation 2076593 (VCV002076593.4), dbSNP rs2540350083, ClinGen allele CA376912665.